The following is an entry in ClinVar:

NM_016203.4(PRKAG2):c.905G>C (p.Arg302Pro)

Gene: PRKAG2 (protein kinase AMP-activated non-catalytic subunit gamma 2; minus strand). Cytogenetic location: 7q36.1.
Variant type: single nucleotide variant.
Coding change: c.905G>C on transcript NM_016203.4 (MANE Select); coding-DNA position 905, G replaced by C.
Protein change: p.Arg302Pro; replaces arginine 302 with proline.
Molecular consequence: missense variant.
Genome position (GRCh38, 1-based): chr7:151,576,412, C>G on the plus strand (G>C on the coding strand, the complement: PRKAG2 is on the minus strand). VCF-style: chr7-151576412-C-G. GRCh37 (hg19) VCF-style: chr7-151273498-C-G.
Other names: c.773G>C, p.Arg258Pro (NM_001040633.2); c.530G>C, p.Arg177Pro (NM_001304527.2); c.182G>C, p.Arg61Pro (NM_001304531.2, NM_024429.2); c.533G>C, p.Arg178Pro (NM_001363698.2); short protein forms R302P, R177P, R258P, R61P, R178P.
Identifiers: ClinVar variation 533881 (VCV000533881.15), dbSNP rs121908987, ClinGen allele CA370072449.

ClinVar aggregate classification (germline): Pathogenic/Likely pathogenic. Review status: criteria provided, multiple submitters, no conflicts (2 of 4 stars). 3 submissions from 3 submitters: Pathogenic (1); Likely pathogenic (2). Last evaluated 2024-08-16.

Conditions:
Lethal congenital glycogen storage disease of heart. Also called: PHOSPHORYLASE KINASE DEFICIENCY OF HEART; GLYCOGEN STORAGE DISEASE OF HEART. Identifiers: Orphanet 439854, MedGen C1849813, MONDO:0009867, OMIM 261740.
Cardiovascular phenotype. Identifiers: MedGen CN230736.

Submissions (3):

Dasa
Classification: Likely pathogenic. Last evaluated: 2024-08-16. Review status: criteria provided, single submitter. Criteria: DASA Assertion Criteria. Collection method: clinical testing. Allele origin: germline.
Comment: NM_016203.4(PRKAG2):c.905G>C (p.Arg302Pro) is a missense variant that results in the substitution of arginine with proline. The affected residue or protein region has prior evidence supporting clinical relevance. This variant has been reported in individuals with PRKAG2-related disorders. Segregation data support an association with disease in the reported family/families. Functional evidence supports an impact on the gene or gene product. Published studies describe this variant in association with related phenotype (PMID: 32259713). Also, this variant is absent from population databases. Computational evidence supports a deleterious effect. Based on the currently available evidence, this variant is classified as likely pathogenic.

Ambry Genetics
Classification: Likely pathogenic for Cardiovascular phenotype. Last evaluated: 2024-04-30. Review status: criteria provided, single submitter. Criteria: Ambry Variant Classification Scheme 2023. Collection method: clinical testing. Allele origin: germline.
Comment: The p.R302P variant (also known as c.905G>C), located in coding exon 7 of the PRKAG2 gene, results from a G to C substitution at nucleotide position 905. The arginine at codon 302 is replaced by proline, an amino acid with dissimilar properties. This variant has been detected in several individuals with presentations consistent with PRKAG2-related disease, including hypertrophic cardiomyopathy (HCM) and arrhythmia (Seidelmann SB et al. Circ Cardiovasc Genet, 2017 Feb;10; Hu D et al. EBioMedicine, 2020 Apr;54:102723; Ambry internal data). Another alteration at the same codon, p.R302Q (c.905G>A), has been shown to impact protein function in both in vitro and in vivo functional studies (Scott et al. J Clin Invest. 2004 Jan;113:274-84; Sidhu et al. Circulation. 2005 Jan;111:21-9; Folmes et al. Circ Cardiovasc Genet. 2009 Oct;2:457-66; Zhang et al. J Cardiol. 2013 Oct;62:241-8; Thorn et al. EJNMMI Res. 2013;3:48), and has been seen to segregate with disease in multiple unrelated families described to have Wolff-Parkinson-White syndrome, cardiac conduction system disease, and HCM, or some combination of those presentations (Gollob et al. N Engl J Med. 2001 Jun;344(24):1823-31; Arad et al. J Clin Invest. 2002 Feb;109(3):357-62; Sternick et al. J Cardiovasc Electrophysiol. 2006 Jul; 17(7):724-32; Charron et al. Europace. 2007 Aug;9:597-600; Tan et al. Circ Arrhythm Electrophysiol. 2008 Oct;1:276-81; Thevenon J et al. Europace, 2017 Apr;19:651-659). The p.R302P (c.905G>C) variant is considered to be rare based on population cohorts in the Genome Aggregation Database (gnomAD). This amino acid position is highly conserved in available vertebrate species. In addition, this alteration is predicted to be deleterious by in silico analysis. Based on the majority of available evidence to date, this variant is likely to be pathogenic.

Labcorp Genetics (formerly Invitae), Labcorp
Classification: Pathogenic for Lethal congenital glycogen storage disease of heart. Last evaluated: 2023-12-19. Review status: criteria provided, single submitter. Criteria: Invitae Variant Classification Sherloc (09022015). Collection method: clinical testing. Allele origin: germline.
Comment: This sequence change replaces arginine, which is basic and polar, with proline, which is neutral and non-polar, at codon 302 of the PRKAG2 protein (p.Arg302Pro). This variant is not present in population databases (gnomAD no frequency). This missense change has been observed in individuals with clinical features of PRKAG2-related conditions (PMID: 32259713; Invitae). ClinVar contains an entry for this variant (Variation ID: 533881). Advanced modeling of protein sequence and biophysical properties (such as structural, functional, and spatial information, amino acid conservation, physicochemical variation, residue mobility, and thermodynamic stability) performed at Invitae indicates that this missense variant is expected to disrupt PRKAG2 protein function with a positive predictive value of 95%. This variant disrupts the p.Arg302 amino acid residue in PRKAG2. Other variant(s) that disrupt this residue have been determined to be pathogenic (PMID: 14722619, 15611370, 16836667, 20031621, 23992123, 25997934). This suggests that this residue is clinically significant, and that variants that disrupt this residue are likely to be disease-causing. For these reasons, this variant has been classified as Pathogenic.

Literature cited by the submitters: PubMed 32259713 (cited by 3 submitters); PubMed 28087566 (cited by Ambry Genetics); PubMed 36252119 (cited by Ambry Genetics); PubMed 14722619 (cited by Labcorp Genetics (formerly Invitae), Labcorp); PubMed 15611370 (cited by Labcorp Genetics (formerly Invitae), Labcorp); PubMed 16836667 (cited by Labcorp Genetics (formerly Invitae), Labcorp); PubMed 20031621 (cited by Labcorp Genetics (formerly Invitae), Labcorp); PubMed 23992123 (cited by Labcorp Genetics (formerly Invitae), Labcorp); PubMed 25997934 (cited by Labcorp Genetics (formerly Invitae), Labcorp).